The following is an entry in ClinVar:

ClinVar aggregate classification (germline): Likely benign. Review status: criteria provided, multiple submitters, no conflicts (2 of 4 stars). 3 submissions from 3 submitters: Likely benign (3). Last evaluated 2022-12-16.

Conditions:
Microcephaly, normal intelligence and immunodeficiency (NBS). Also called: BERLIN BREAKAGE SYNDROME; Immunodeficiency, microcephaly with normal intelligence; Nijmegen breakage syndrome; Microcephaly with normal intelligence immunodeficiency and lymphoreticular malignancies; Nonsyndromal microcephaly autosomal recessive with normal intelligence; Seemanova syndrome 2. Identifiers: Orphanet 647, MedGen C0398791, MONDO:0009623, OMIM 251260.

Allele frequency attached by ClinVar (database versions not stated): gnomAD exomes below 0.00001; ExAC 0.00001; gnomAD 0.00001; TOPMed 0.00001.
gnomAD v4.1: 5 of 1,600,738 alleles (0.00031%); highest among the groups gnomAD compares: African/African-American, 0.0027%; no homozygotes.

Submissions (3):

Labcorp Genetics (formerly Invitae), Labcorp
Classification: Likely benign for Microcephaly, normal intelligence and immunodeficiency. Last evaluated: 2022-12-16. Review status: criteria provided, single submitter. Criteria: Invitae Variant Classification Sherloc (09022015). Collection method: clinical testing. Allele origin: germline.

Department of Pathology and Laboratory Medicine, Sinai Health System
Classification: Likely benign for Nijmegen breakage syndrome. Last evaluated: 2020-10-08. Review status: criteria provided, single submitter. Criteria: ACMG Guidelines, 2015. Collection method: clinical testing. Allele origin: germline. Affected: no.

GeneDx
Classification: Likely benign. Last evaluated: 2016-11-14. Review status: criteria provided, single submitter. Criteria: GeneDx Variant Classification (06012015). Collection method: clinical testing. Allele origin: germline. Affected: yes.
Comment: This variant is considered likely benign or benign based on one or more of the following criteria: it is a conservative change, it occurs at a poorly conserved position in the protein, it is predicted to be benign by multiple in silico algorithms, and/or has population frequency not consistent with disease.

NM_002485.5(NBN):c.585-15T>C

Gene: NBN (nibrin; minus strand). Cytogenetic location: 8q21.3.
Variant type: single nucleotide variant.
Coding change: c.585-15T>C on transcript NM_002485.5 (MANE Select); 15 bases into the intron before coding-DNA position 585, T replaced by C.
Molecular consequence: intron variant.
Genome position (GRCh38, 1-based): chr8:89,971,305, A>G on the plus strand (T>C on the coding strand, the complement: NBN is on the minus strand). VCF-style: chr8-89971305-A-G. GRCh37 (hg19) VCF-style: chr8-90983533-A-G.
Other names: c.339-15T>C (NM_001024688.3).
Identifiers: ClinVar variation 391018 (VCV000391018.9), dbSNP rs746465355, ClinGen allele CA4802925.